The following is an entry in ClinVar:

NM_000426.4(LAMA2):c.4199G>C (p.Arg1400Pro)

Gene: LAMA2 (laminin subunit alpha 2; plus strand). Cytogenetic location: 6q22.33.
Variant type: single nucleotide variant.
Coding change: c.4199G>C on transcript NM_000426.4 (MANE Select); coding-DNA position 4199, G replaced by C.
Protein change: p.Arg1400Pro; replaces arginine 1400 with proline.
Molecular consequence: missense variant.
Genome position (GRCh38, 1-based): chr6:129,328,300, G>C. VCF-style: chr6-129328300-G-C. GRCh37 (hg19) VCF-style: chr6-129649445-G-C.
Other names: c.4199G>C, p.Arg1400Pro (NM_001079823.2); short protein forms R1400P.
Identifiers: ClinVar variation 477470 (VCV000477470.5), dbSNP rs760541670, ClinGen allele CA146890283.
Genomic context (GRCh38, chr6:129,328,300, plus strand): 5'-CTAACTTTGCTGTCCTAATTGGCTTCCTTTTCTTTCAGGCATGCTTGCCGGGATTTTATC[G>C]ACTGCGTTCTCAACCAGGTGGCCGCACCCCTGGACCAACCCTGGGCACCTGTGTTCCATG-3'
Protein context (NP_000417.3, residues 1390-1410): SCEACLPGFY[Arg1400Pro]LRSQPGGRTP

ClinVar aggregate classification (germline): Uncertain significance (1 of 4 stars; one submission).

Conditions:
LAMA2-related muscular dystrophy (LAMA2-RD). Also called: Laminin alpha 2-related dystrophy. Identifiers: MedGen C5679788, MONDO:0100228.

Allele frequency attached by ClinVar (database versions not stated): TOPMed 0.00003.
gnomAD v4.1: 22 of 1,613,890 alleles (0.0014%); highest among the groups gnomAD compares: Middle Eastern, 0.016%; no homozygotes.

Submission:

Labcorp Genetics (formerly Invitae), Labcorp
Classification: Uncertain significance for LAMA2-related muscular dystrophy. Last evaluated: 2022-07-26. Review status: criteria provided, single submitter. Criteria: Invitae Variant Classification Sherloc (09022015). Collection method: clinical testing. Allele origin: germline.
Comment: This sequence change replaces arginine, which is basic and polar, with proline, which is neutral and non-polar, at codon 1400 of the LAMA2 protein (p.Arg1400Pro). This variant is not present in population databases (gnomAD no frequency). This variant has not been reported in the literature in individuals affected with LAMA2-related conditions. ClinVar contains an entry for this variant (Variation ID: 477470). Advanced modeling of protein sequence and biophysical properties (such as structural, functional, and spatial information, amino acid conservation, physicochemical variation, residue mobility, and thermodynamic stability) performed at Invitae indicates that this missense variant is not expected to disrupt LAMA2 protein function. In summary, the available evidence is currently insufficient to determine the role of this variant in disease. Therefore, it has been classified as a Variant of Uncertain Significance.